The following is an entry in ClinVar:

NM_000051.4(ATM):c.6990A>G (p.Leu2330=)

Genes: ATM (ATM serine/threonine kinase; plus strand), C11orf65 (chromosome 11 open reading frame 65; minus strand). Cytogenetic location: 11q22.3.
Variant type: single nucleotide variant.
Coding change: c.6990A>G on transcript NM_000051.4 (MANE Select); coding-DNA position 6990, A replaced by G.
Protein change: p.Leu2330=; no amino-acid change (leucine 2330 retained).
Molecular consequence: synonymous variant. On other transcripts: intron variant (2).
Genome position (GRCh38, 1-based): chr11:108,327,659, A>G. VCF-style: chr11-108327659-A-G. GRCh37 (hg19) VCF-style: chr11-108198386-A-G.
Other names: c.6990A>G, p.Leu2330= (NM_001351834.2); c.641-18588T>C (NM_001330368.2); c.*38+7561T>C (NM_001351110.2).
Identifiers: ClinVar variation 1116043 (VCV001116043.12), dbSNP rs2136373497, ClinGen allele CA476676429.

ClinVar aggregate classification (germline): Benign/Likely benign. Review status: criteria provided, multiple submitters, no conflicts (2 of 4 stars). 4 submissions from 4 submitters: Benign (1); Likely benign (3). Last evaluated 2024-08-02.

Conditions:
Familial cancer of breast. Also called: Hereditary breast cancer; hereditary breast carcinoma; BREAST CANCER, FAMILIAL. Identifiers: Orphanet 227535, MedGen C0346153, MONDO:0016419, OMIM 114480. Disease mechanism: loss of function.
Ataxia-telangiectasia syndrome (AT). Also called: Ataxia telangiectasia (A-T); ATAXIA-TELANGIECTASIA, COMPLEMENTATION GROUP A; ATAXIA-TELANGIECTASIA, FRESNO VARIANT; Ataxia-telangiectasia; Ataxia-telangiectasia, complementation group E; LOUIS-BAR SYNDROME. Identifiers: Orphanet 100, MedGen C0004135, MONDO:0008840, OMIM 208900.
Hereditary cancer-predisposing syndrome. Also called: Neoplastic Syndromes, Hereditary; Tumor predisposition; Hereditary Cancer Syndrome; Hereditary neoplastic syndrome. Identifiers: Orphanet 140162, MedGen C0027672, MeSH D009386, MONDO:0015356.

Allele frequency attached by ClinVar (database versions not stated): gnomAD exomes below 0.00001.
gnomAD v4.1: 2 of 1,613,830 alleles (0.00012%); highest among the groups gnomAD compares: Non-Finnish European, 0.00017%; no homozygotes.

Submissions (4):

Labcorp Genetics (formerly Invitae), Labcorp
Classification: Likely benign for Ataxia-telangiectasia syndrome. Last evaluated: 2024-08-02. Review status: criteria provided, single submitter. Criteria: Invitae Variant Classification Sherloc (09022015). Collection method: clinical testing. Allele origin: germline.

Myriad Genetics, Inc.
Classification: Benign for Familial cancer of breast. Last evaluated: 2024-06-12. Review status: criteria provided, single submitter. Criteria: Myriad Autosomal Dominant, Autosomal Recessive and X-Linked Classification Criteria (2023). Collection method: clinical testing. Allele origin: unknown.
Comment: This variant is considered benign. This variant is a silent/synonymous amino acid change and it is not expected to impact splicing.

Ambry Genetics
Classification: Likely benign for Hereditary cancer-predisposing syndrome. Last evaluated: 2023-06-21. Review status: criteria provided, single submitter. Criteria: Ambry Variant Classification Scheme 2023. Collection method: clinical testing. Allele origin: germline.

Color Diagnostics, LLC DBA Color Health
Classification: Likely benign for Hereditary cancer-predisposing syndrome. Last evaluated: 2023-01-23. Review status: criteria provided, single submitter. Criteria: ACMG Guidelines, 2015. Collection method: clinical testing. Allele origin: germline.